The following is an entry in ClinVar:

NM_003242.6(TGFBR2):c.859T>C (p.Trp287Arg)

Gene: TGFBR2 (transforming growth factor beta receptor 2; plus strand). Cytogenetic location: 3p24.1.
Variant type: single nucleotide variant.
Coding change: c.859T>C on transcript NM_003242.6 (MANE Select); coding-DNA position 859, T replaced by C.
Protein change: p.Trp287Arg; replaces tryptophan 287 with arginine.
Molecular consequence: missense variant.
Genome position (GRCh38, 1-based): chr3:30,672,042, T>C. VCF-style: chr3-30672042-T-C. GRCh37 (hg19) VCF-style: chr3-30713534-T-C.
Other names: c.934T>C, p.Trp312Arg (NM_001024847.3); c.1042T>C, p.Trp348Arg (NM_001407126.1); c.967T>C, p.Trp323Arg (NM_001407127.1); c.886T>C, p.Trp296Arg (NM_001407128.1); c.862T>C, p.Trp288Arg (NM_001407129.1); c.859T>C, p.Trp287Arg (NM_001407130.1); c.754T>C, p.Trp252Arg (NM_001407132.1, NM_001407133.1, NM_001407134.1 and 2 more transcripts); c.574T>C, p.Trp192Arg (NM_001407137.1); and 1 more; short protein forms W287R, W312R, W288R, W296R, W252R, W348R, W167R, W192R.
Identifiers: ClinVar variation 165391 (VCV000165391.11), dbSNP rs727503472, ClinGen allele CA020788.

ClinVar aggregate classification (germline): Pathogenic/Likely pathogenic. Review status: criteria provided, multiple submitters, no conflicts (2 of 4 stars). 2 submissions from 2 submitters: Pathogenic (1); Likely pathogenic (1). Last evaluated 2022-04-08.

Conditions:
Familial thoracic aortic aneurysm and aortic dissection (TAAD). Also called: Thoracic aortic aneurysms and dissections. Identifiers: Orphanet 91387, MedGen C4707243, MONDO:0019625.
Loeys-Dietz syndrome (LDS). Identifiers: Orphanet 60030, MedGen C2697932, MONDO:0018954.

Submissions (2):

Labcorp Genetics (formerly Invitae), Labcorp
Classification: Pathogenic for Familial thoracic aortic aneurysm and aortic dissection. Last evaluated: 2022-04-08. Review status: criteria provided, single submitter. Criteria: Invitae Variant Classification Sherloc (09022015). Collection method: clinical testing. Allele origin: germline.
Comment: For these reasons, this variant has been classified as Pathogenic. Advanced modeling of protein sequence and biophysical properties (such as structural, functional, and spatial information, amino acid conservation, physicochemical variation, residue mobility, and thermodynamic stability) performed at Invitae indicates that this missense variant is expected to disrupt TGFBR2 protein function. ClinVar contains an entry for this variant (Variation ID: 165391). This missense change has been observed in individual(s) with Loeys-Dietz syndrome (PMID: 24146167). In at least one individual the variant was observed to be de novo. This variant is not present in population databases (gnomAD no frequency). This sequence change replaces tryptophan, which is neutral and slightly polar, with arginine, which is basic and polar, at codon 287 of the TGFBR2 protein (p.Trp287Arg).

Laboratory for Molecular Medicine, Mass General Brigham Personalized Medicine
Classification: Likely pathogenic for Loeys-Dietz syndrome. Last evaluated: 2020-03-11. Review status: criteria provided, single submitter. Criteria: LMM Criteria. Collection method: clinical testing. Allele origin: germline. Inheritance: Autosomal dominant inheritance. Observed: 1 variant allele.
Comment: This variant was absent from large population data. Computational prediction tools and conservation analyses suggest an impact to the protein. In summary, although additional studies are required to fully establish its clinical significance, this variant meets criteria to be classified as likely pathogenic for autosomal dominant Loeys-Dietz syndrome. ACMG/AMP Criteria applied: PM2, PM6, PP3, PP4.

Literature cited by the submitters: PubMed 24146167 (cited by Labcorp Genetics (formerly Invitae), Labcorp and Laboratory for Molecular Medicine, Mass General Brigham Personalized Medicine).